The following is an entry in ClinVar:

NM_000135.4(FANCA):c.2230C>T (p.Pro744Ser)

Gene: FANCA (FA complementation group A; minus strand). Cytogenetic location: 16q24.3.
Variant type: single nucleotide variant.
Coding change: c.2230C>T on transcript NM_000135.4 (MANE Select); coding-DNA position 2230, C replaced by T.
Protein change: p.Pro744Ser; replaces proline 744 with serine.
Molecular consequence: missense variant.
Genome position (GRCh38, 1-based): chr16:89,770,252, G>A on the plus strand (C>T on the coding strand, the complement: FANCA is on the minus strand). VCF-style: chr16-89770252-G-A. GRCh37 (hg19) VCF-style: chr16-89836660-G-A.
Other names: c.2230C>T, p.Pro744Ser (NM_001286167.3); short protein forms P744S.
Identifiers: ClinVar variation 4619191 (VCV004619191.1).

ClinVar aggregate classification (germline): Uncertain significance (1 of 4 stars; one submission).

Conditions:
Inborn genetic diseases. Identifiers: MedGen C0950123, MeSH D030342.

gnomAD v4.1: 2 of 1,575,714 alleles (0.00013%); highest among the groups gnomAD compares: African/African-American, 0.0013%; no homozygotes.

Submission:

Ambry Genetics
Classification: Uncertain significance for Inborn genetic diseases. Last evaluated: 2025-10-08. Review status: criteria provided, single submitter. Criteria: Ambry Variant Classification Scheme 2023. Collection method: clinical testing. Allele origin: germline.
Comment: The p.P744S variant (also known as c.2230C>T), located in coding exon 25 of the FANCA gene, results from a C to T substitution at nucleotide position 2230. The proline at codon 744 is replaced by serine, an amino acid with similar properties. This amino acid position is conserved. In addition, this alteration is predicted to be tolerated by in silico analysis. Based on the available evidence, the clinical significance of this variant remains unclear.